The following is an entry in ClinVar:

ClinVar aggregate classification (germline): Uncertain significance (1 of 4 stars; one submission).

Conditions:
Hereditary cancer-predisposing syndrome. Also called: Tumor predisposition; Neoplastic Syndromes, Hereditary; Hereditary Cancer Syndrome; Hereditary neoplastic syndrome. Identifiers: Orphanet 140162, MedGen C0027672, MeSH D009386, MONDO:0015356.

Allele frequency attached by ClinVar (database versions not stated): gnomAD exomes below 0.00001.
gnomAD v4.1: 1 of 1,613,794 alleles (0.000062%); highest among the groups gnomAD compares: Non-Finnish European, 0.000085%; no homozygotes.

Submission:

Labcorp Genetics (formerly Invitae), Labcorp
Classification: Uncertain significance for Hereditary cancer-predisposing syndrome. Last evaluated: 2024-12-02. Review status: criteria provided, single submitter. Criteria: Invitae Variant Classification Sherloc (09022015). Collection method: clinical testing. Allele origin: germline.
Comment: This sequence change replaces lysine, which is basic and polar, with arginine, which is basic and polar, at codon 832 of the RAD50 protein (p.Lys832Arg). This variant is not present in population databases (gnomAD no frequency). This variant has not been reported in the literature in individuals affected with RAD50-related conditions. ClinVar contains an entry for this variant (Variation ID: 2836185). Invitae Evidence Modeling of protein sequence and biophysical properties (such as structural, functional, and spatial information, amino acid conservation, physicochemical variation, residue mobility, and thermodynamic stability) has been performed for this missense variant. However, the output from this modeling did not meet the statistical confidence thresholds required to predict the impact of this variant on RAD50 protein function. In summary, the available evidence is currently insufficient to determine the role of this variant in disease. Therefore, it has been classified as a Variant of Uncertain Significance.

NM_005732.4(RAD50):c.2495A>G (p.Lys832Arg)

Gene: RAD50 (RAD50 double strand break repair protein; plus strand). Cytogenetic location: 5q31.1.
Variant type: single nucleotide variant.
Coding change: c.2495A>G on transcript NM_005732.4 (MANE Select); coding-DNA position 2495, A replaced by G.
Protein change: p.Lys832Arg; replaces lysine 832 with arginine.
Molecular consequence: missense variant.
Genome position (GRCh38, 1-based): chr5:132,604,017, A>G. VCF-style: chr5-132604017-A-G. GRCh37 (hg19) VCF-style: chr5-131939709-A-G.
Other names: short protein forms K832R.
Identifiers: ClinVar variation 2836185 (VCV002836185.3), dbSNP rs2479666363, ClinGen allele CA360955791.